The following is an entry in ClinVar:

ClinVar aggregate classification (germline): Conflicting classifications of pathogenicity. Review status: criteria provided, conflicting classifications (1 of 4 stars). 5 submissions from 5 submitters: Uncertain significance (1); Likely benign (4). Last evaluated 2026-06-04.

Conditions:
CDH23-related disorder. Also called: CDH23-related disorders; CDH23-related condition.

Allele frequency attached by ClinVar (database versions not stated): gnomAD exomes 0.00003 and 0.00014; TOPMed 0.00006; ExAC 0.00009.
gnomAD v4.1: 46 of 1,613,588 alleles (0.0029%); highest among the groups gnomAD compares: Admixed American, 0.058%; no homozygotes.

Submissions (5):

PreventionGenetics, part of Exact Sciences
Classification: Uncertain significance for CDH23-related condition. Last evaluated: 2026-06-04. Review status: criteria provided, single submitter. Criteria: ACMG Guidelines, 2015. Collection method: clinical testing. Allele origin: germline.
Comment: The CDH23 c.1206G>A variant is not predicted to result in an amino acid change (p.=). This variant is predicted to alter splicing based on available splicing prediction software (SpliceAI, Jaganathan et al. 2019. PubMed ID: 30661751). However, the use of computer prediction software is not equivalent to functional evidence. To our knowledge, this variant has not been reported in the literature. This variant is reported in 0.090% of alleles in individuals of Latino descent in gnomAD. Although we suspect that this variant may be bening, at this time, the clinical significance of this variant is uncertain due to the absence of conclusive functional and genetic evidence.

Labcorp Genetics (formerly Invitae), Labcorp
Classification: Likely benign. Last evaluated: 2026-01-12. Review status: criteria provided, single submitter. Criteria: Invitae Variant Classification Sherloc (09022015). Collection method: clinical testing. Allele origin: germline.

Blueprint Genetics
Classification: Likely benign. Last evaluated: 2024-06-12. Review status: criteria provided, single submitter. Criteria: ACMG Guidelines, 2015. Collection method: clinical testing. Allele origin: germline.

GeneDx
Classification: Likely benign. Last evaluated: 2018-01-18. Review status: criteria provided, single submitter. Criteria: GeneDx Variant Classification (06012015). Collection method: clinical testing. Allele origin: germline. Affected: yes.
Comment: This variant is considered likely benign or benign based on one or more of the following criteria: it is a conservative change, it occurs at a poorly conserved position in the protein, it is predicted to be benign by multiple in silico algorithms, and/or has population frequency not consistent with disease.

Laboratory for Molecular Medicine, Mass General Brigham Personalized Medicine
Classification: Likely benign. Last evaluated: 2012-03-22. Review status: criteria provided, single submitter. Criteria: LMM Criteria. Collection method: clinical testing. Allele origin: germline. Observed: 1 variant allele.
Comment: Pro402Pro in exon 13 of CDH23: This variant is not expected to have clinical sig nificance because it does not alter an amino acid residue and is not located wit hin the splice consensus sequence.

NM_022124.6(CDH23):c.1206G>A (p.Pro402=)

Gene: CDH23 (cadherin related 23; plus strand). Cytogenetic location: 10q22.1.
Variant type: single nucleotide variant.
Coding change: c.1206G>A on transcript NM_022124.6 (MANE Select); coding-DNA position 1206, G replaced by A.
Protein change: p.Pro402=; no amino-acid change (proline 402 retained).
Molecular consequence: synonymous variant.
Genome position (GRCh38, 1-based): chr10:71,645,896, G>A. VCF-style: chr10-71645896-G-A. GRCh37 (hg19) VCF-style: chr10-73405653-G-A.
Other names: c.1206G>A, p.Pro402= (NM_001171930.2, NM_001171931.2, NM_052836.4).
Identifiers: ClinVar variation 45864 (VCV000045864.15), dbSNP rs397517304, ClinGen allele CA137263.